The following is an entry in ClinVar:

ClinVar aggregate classification (germline): Uncertain significance. Review status: criteria provided, multiple submitters, no conflicts (2 of 4 stars). 3 submissions from 3 submitters: Uncertain significance (3). Last evaluated 2025-12-10.

Conditions:
Holoprosencephaly 11 (HPE11). Identifiers: Orphanet 2162, MedGen C3280215, MONDO:0013642, OMIM 614226.

Allele frequency attached by ClinVar (database versions not stated): ESP Exome Variant Server 0.00008; ExAC 0.00015; TOPMed 0.00021; gnomAD 0.00017 and 0.00018; gnomAD exomes 0.00018.
gnomAD v4.1: 441 of 1,613,602 alleles (0.027%); highest among the groups gnomAD compares: Non-Finnish European, 0.034%; 1 homozygote.

Submissions (7):

Labcorp Genetics (formerly Invitae), Labcorp
Classification: Uncertain significance for Holoprosencephaly 11. Last evaluated: 2025-12-10. Review status: criteria provided, single submitter. Criteria: Invitae Variant Classification Sherloc (09022015). Collection method: clinical testing. Allele origin: germline.
Comment: This sequence change affects a donor splice site in intron 17 of the CDON gene. It is expected to disrupt RNA splicing. Variants that disrupt the donor or acceptor splice site typically lead to a loss of protein function (PMID: 16199547), however the current clinical and genetic evidence is not sufficient to establish whether loss-of-function variants in CDON cause disease. This variant is present in population databases (rs374564199, gnomAD 0.06%). This variant has not been reported in the literature in individuals affected with CDON-related conditions. ClinVar contains an entry for this variant (Variation ID: 878774). Algorithms developed to predict the effect of sequence changes on RNA splicing suggest that this variant may disrupt the consensus splice site. In summary, the available evidence is currently insufficient to determine the role of this variant in disease. Therefore, it has been classified as a Variant of Uncertain Significance.

Department of Pathology and Laboratory Medicine, Sinai Health System
Classification: Uncertain significance for Holoprosencephaly 11. Last evaluated: 2023-04-08. Review status: criteria provided, single submitter. Criteria: ACMG Guidelines, 2015. Collection method: research. Allele origin: germline.

Illumina Laboratory Services, Illumina
Classification: Uncertain significance for Holoprosencephaly 11. Last evaluated: 2017-04-27. Review status: criteria provided, single submitter. Criteria: ICSL Variant Classification Criteria 13 December 2019. Collection method: clinical testing. Allele origin: germline.

Dr. Peter K. Rogan Lab, Western University
No classification provided (evidence only). Condition: Clear cell carcinoma of kidney. Review status: no classification provided. Collection method: in vitro. Allele origin: not applicable. Functional consequence: skipped exon, retained intron. Not counted in ClinVar's aggregate classification.

Dr. Peter K. Rogan Lab, Western University
No classification provided (evidence only). Condition: Melanoma. Review status: no classification provided. Collection method: in vitro. Allele origin: not applicable. Functional consequence: skipped exon, retained intron. Not counted in ClinVar's aggregate classification.

Dr. Peter K. Rogan Lab, Western University
No classification provided (evidence only). Condition: Colon adenocarcinoma. Review status: no classification provided. Collection method: in vitro. Allele origin: not applicable. Functional consequence: retained intron. Not counted in ClinVar's aggregate classification.

Dr. Peter K. Rogan Lab, Western University
No classification provided (evidence only). Condition: Cervical cancer. Review status: no classification provided. Collection method: in vitro. Allele origin: not applicable. Functional consequence: retained intron. Not counted in ClinVar's aggregate classification.

Literature cited by the submitters: PubMed 16199547 (cited by Labcorp Genetics (formerly Invitae), Labcorp).

NM_001378964.1(CDON):c.3276+1G>T

Gene: CDON (cell adhesion associated, oncogene regulated; minus strand). Cytogenetic location: 11q24.2.
Variant type: single nucleotide variant.
Coding change: c.3276+1G>T on transcript NM_001378964.1 (MANE Select); the canonical splice donor site of the intron after coding-DNA position 3276, G replaced by T.
Molecular consequence: splice donor variant.
Genome position (GRCh38, 1-based): chr11:125,981,048, C>A on the plus strand (G>T on the coding strand, the complement: CDON is on the minus strand). VCF-style: chr11-125981048-C-A. GRCh37 (hg19) VCF-style: chr11-125850943-C-A.
Other names: c.3276+1G>T (NM_001441166.1, NM_016952.6, NM_001243597.3 and 5 more transcripts).
Identifiers: ClinVar variation 878774 (VCV000878774.12), dbSNP rs374564199, ClinGen allele CA6351469.